The following is an entry in ClinVar:

ClinVar aggregate classification (germline): Likely benign (0 of 4 stars; one submission).

Conditions:
PCNT-related disorder. Also called: PCNT-related condition.

Submission:

PreventionGenetics, part of Exact Sciences
Classification: Likely benign for PCNT-related condition. Last evaluated: 2022-11-23. Review status: no assertion criteria provided. Collection method: clinical testing. Allele origin: germline.
Comment: This variant is classified as likely benign based on ACMG/AMP sequence variant interpretation guidelines (Richards et al. 2015 PMID: 25741868, with internal and published modifications).

NM_006031.6(PCNT):c.4686A>G (p.Glu1562=)

Gene: PCNT (pericentrin; plus strand). Cytogenetic location: 21q22.3.
Variant type: single nucleotide variant.
Coding change: c.4686A>G on transcript NM_006031.6 (MANE Select); coding-DNA position 4686, A replaced by G.
Protein change: p.Glu1562=; no amino-acid change (glutamic acid 1562 retained).
Molecular consequence: synonymous variant.
Genome position (GRCh38, 1-based): chr21:46,399,691, A>G. VCF-style: chr21-46399691-A-G. GRCh37 (hg19) VCF-style: chr21-47819605-A-G.
Other names: c.4332A>G, p.Glu1444= (NM_001315529.2).
Identifiers: ClinVar variation 3354404 (VCV003354404.1).